The following is an entry in ClinVar:

ClinVar aggregate classification (germline): Uncertain significance (1 of 4 stars; one submission).

Submissions (2):

Women's Health and Genetics/Laboratory Corporation of America, LabCorp
Classification: Uncertain significance. Last evaluated: 2025-03-19. Review status: criteria provided, single submitter. Criteria: LabCorp Variant Classification Summary - May 2015. Collection method: clinical testing. Allele origin: germline.
Comment: Variant summary: ABHD12 c.867+5G>A alters a conserved nucleotide located close to a canonical splice site and therefore could affect mRNA splicing, leading to a significantly altered protein sequence. Consensus agreement among computation tools predict no significant impact on normal splicing. At least one publication reports experimental evidence that this variant affects mRNA splicing (Rowlands_2021). The variant allele was found at a frequency of 4e-06 in 250816 control chromosomes. c.867+5G>A has been reported in the literature in at least one compound heterozygous individual affected with PHARC syndrome (Nguyen_2021). These data do not allow any conclusion about variant significance. The following publications have been ascertained in the context of this evaluation (PMID: 34223797, 38219857, 34573385, 34663891). No submitters have cited clinical-significance assessments for this variant to ClinVar. Based on the evidence outlined above, the variant was classified as VUS-possibly pathogenic.

Dr. Peter K. Rogan Lab, Western University
No classification provided (evidence only). Condition: Thymoma. Review status: no classification provided. Collection method: in vitro. Allele origin: not applicable. Functional consequence: skipped exon, retained intron. Not counted in ClinVar's aggregate classification.

Literature cited by the submitters: PubMed 34663891 (cited by Women's Health and Genetics/Laboratory Corporation of America, LabCorp); PubMed 38219857 (cited by Women's Health and Genetics/Laboratory Corporation of America, LabCorp); PubMed 34223797 (cited by Women's Health and Genetics/Laboratory Corporation of America, LabCorp); PubMed 34573385 (cited by Women's Health and Genetics/Laboratory Corporation of America, LabCorp).

NM_001042472.3(ABHD12):c.867+5G>A

Gene: ABHD12 (abhydrolase domain containing 12, lysophospholipase; minus strand). Cytogenetic location: 20p11.21.
Variant type: single nucleotide variant.
Coding change: c.867+5G>A on transcript NM_001042472.3 (MANE Select); 5 bases into the intron after coding-DNA position 867, G replaced by A.
Molecular consequence: intron variant.
Genome position (GRCh38, 1-based): chr20:25,307,961, C>T on the plus strand (G>A on the coding strand, the complement: ABHD12 is on the minus strand). VCF-style: chr20-25307961-C-T. GRCh37 (hg19) VCF-style: chr20-25288597-C-T.
Other names: NC_000020.10:g.25288597C>T; c.867+5G>A (NM_015600.5).
Identifiers: ClinVar variation 3896099 (VCV003896099.2).